The following is an entry in ClinVar:

NM_001083116.3(PRF1):c.435G>A (p.Val145=)

Gene: PRF1 (perforin 1; minus strand). Cytogenetic location: 10q22.1.
Variant type: single nucleotide variant.
Coding change: c.435G>A on transcript NM_001083116.3 (MANE Select); coding-DNA position 435, G replaced by A.
Protein change: p.Val145=; no amino-acid change (valine 145 retained).
Molecular consequence: synonymous variant.
Genome position (GRCh38, 1-based): chr10:70,600,468, C>T on the plus strand (G>A on the coding strand, the complement: PRF1 is on the minus strand). VCF-style: chr10-70600468-C-T. GRCh37 (hg19) VCF-style: chr10-72360224-C-T.
Other names: p.Val145=; c.435G>A, p.Val145= (NM_005041.6); c.435G>A (NM_005041.4).
Identifiers: ClinVar variation 257401 (VCV000257401.27), dbSNP rs115281140, ClinGen allele CA5539036.

ClinVar aggregate classification (germline): Benign/Likely benign. Review status: criteria provided, multiple submitters, no conflicts (2 of 4 stars). 10 submissions from 9 submitters: Benign (7); Likely benign (3). Last evaluated 2026-02-04.

Conditions:
Autoinflammatory syndrome. Identifiers: Orphanet 93665, MedGen C3890737, MONDO:0019751.
Lymphoma, non-Hodgkin, familial. Identifiers: MedGen C4721532, MONDO:0011508, OMIM 605027.
Familial hemophagocytic lymphohistiocytosis 2 (FHL2). Also called: PRF1-Related Familial Hemophagocytic Lymphohistiocytosis (PRF1-fHLH). Identifiers: Orphanet 540, MedGen C1863727, MONDO:0011337, OMIM 603553.

Allele frequency attached by ClinVar (database versions not stated): gnomAD exomes 0.00604 and 0.00668; ExAC 0.00647; gnomAD 0.01056 and 0.01164; ESP Exome Variant Server 0.01223; TOPMed 0.01266; 1000 Genomes Project 0.01278; 1000 Genomes Project 30x 0.01374.
gnomAD v4.1: 11,505 of 1,614,214 alleles (0.71%); highest among the groups gnomAD compares: African/African-American, 2.3%; 76 homozygotes.

Submissions (10):

Labcorp Genetics (formerly Invitae), Labcorp
Classification: Benign for Familial hemophagocytic lymphohistiocytosis 2. Last evaluated: 2026-02-04. Review status: criteria provided, single submitter. Criteria: Invitae Variant Classification Sherloc (09022015). Collection method: clinical testing. Allele origin: germline.

KCCC/NGS Laboratory, Kuwait Cancer Control Center
Classification: Benign for Familial hemophagocytic lymphohistiocytosis 2. Last evaluated: 2025-02-01. Review status: criteria provided, single submitter. Criteria: ACMG Guidelines, 2015. Collection method: clinical testing. Allele origin: germline. Affected: no.

Blueprint Genetics
Classification: Likely benign. Last evaluated: 2024-11-26. Review status: criteria provided, single submitter. Criteria: ACMG Guidelines, 2015. Collection method: clinical testing. Allele origin: germline.

Mayo Clinic Laboratories, Mayo Clinic
Classification: Benign. Last evaluated: 2023-07-27. Review status: criteria provided, single submitter. Criteria: ACMG Guidelines, 2015. Collection method: clinical testing. Allele origin: germline. Observed: 18 variant alleles.
Comment: BS1, BS2, BP4, BP7

KCCC/NGS Laboratory, Kuwait Cancer Control Center
Classification: Benign for Lymphoma, non-Hodgkin, familial. Last evaluated: 2023-07-07. Review status: criteria provided, single submitter. Criteria: ACMG Guidelines, 2015. Collection method: clinical testing. Allele origin: germline. Affected: yes.

Genome Diagnostics Laboratory, The Hospital for Sick Children
Classification: Benign for Autoinflammatory syndrome. Last evaluated: 2021-07-09. Review status: criteria provided, single submitter. Criteria: ACMG Guidelines, 2015. Collection method: clinical testing. Allele origin: germline. Affected: yes.

GeneDx
Classification: Likely benign. Last evaluated: 2020-12-08. Review status: criteria provided, single submitter. Criteria: GeneDx Variant Classification Process June 2021. Collection method: clinical testing. Allele origin: germline. Affected: yes.

Illumina Laboratory Services, Illumina
Classification: Benign for Familial hemophagocytic lymphohistiocytosis 2. Last evaluated: 2017-04-27. Review status: criteria provided, single submitter. Criteria: ICSL Variant Classification Criteria 13 December 2019. Collection method: clinical testing. Allele origin: germline.
Comment: This variant was observed as part of a predisposition screen in an ostensibly healthy population. A literature search was performed for the gene, cDNA change, and amino acid change (where applicable). Publications were found based on this search. The evidence from the literature, in combination with allele frequency data from public databases where available, was sufficient to rule this variant out of causing disease. Therefore, this variant is classified as benign.

Breakthrough Genomics
Classification: Likely benign. Review status: criteria provided, single submitter. Criteria: ACMG Guidelines, 2015. Collection method: not provided. Allele origin: germline. Inheritance: Autosomal recessive inheritance. Affected: yes.

PreventionGenetics, part of Exact Sciences
Classification: Benign. Review status: criteria provided, single submitter. Criteria: ACMG Guidelines, 2015. Collection method: clinical testing. Allele origin: germline.

Literature cited by the submitters: PubMed 14757862 (cited by Mayo Clinic Laboratories, Mayo Clinic and Illumina Laboratory Services, Illumina); PubMed 16860143 (cited by Mayo Clinic Laboratories, Mayo Clinic and Illumina Laboratory Services, Illumina).